The following is an entry in ClinVar:

ClinVar aggregate classification (germline): Uncertain significance (1 of 4 stars; one submission).

Conditions:
Emery-Dreifuss muscular dystrophy 4, autosomal dominant (EDMD4). Also called: EMERY-DREIFUSS MUSCULAR DYSTROPHY 4 WITH VARIABLE FEATURES. Identifiers: Orphanet 261, MedGen C2751807, MONDO:0013071, OMIM 612998.
Autosomal recessive ataxia, Beauce type. Also called: Spinocerebellar ataxia, autosomal recessive 8; ATAXIA, RECESSIVE, OF BEAUCE; SYNE1 Deficiency; SYNE1-Related Autosomal Recessive Cerebellar Ataxia. Identifiers: Orphanet 88644, MedGen C1853116, MONDO:0012549, OMIM 610743.

Submission:

Labcorp Genetics (formerly Invitae), Labcorp
Classification: Uncertain significance for Emery-Dreifuss muscular dystrophy 4, autosomal dominant; Autosomal recessive ataxia, Beauce type. Last evaluated: 2021-08-15. Review status: criteria provided, single submitter. Criteria: Invitae Variant Classification Sherloc (09022015). Collection method: clinical testing. Allele origin: germline.
Comment: In summary, the available evidence is currently insufficient to determine the role of this variant in disease. Therefore, it has been classified as a Variant of Uncertain Significance. Algorithms developed to predict the effect of missense changes on protein structure and function are either unavailable or do not agree on the potential impact of this missense change (SIFT: "Tolerated"; PolyPhen-2: "Possibly Damaging"; Align-GVGD: "Class C0"). This variant has not been reported in the literature in individuals affected with SYNE1-related conditions. This variant is not present in population databases (ExAC no frequency). This sequence change replaces leucine with methionine at codon 5234 of the SYNE1 protein (p.Leu5234Met). The leucine residue is highly conserved and there is a small physicochemical difference between leucine and methionine.

NM_182961.4(SYNE1):c.15913C>A (p.Leu5305Met)

Gene: SYNE1 (spectrin repeat containing nuclear envelope protein 1; minus strand). Cytogenetic location: 6q25.2.
Variant type: single nucleotide variant.
Coding change: c.15913C>A on transcript NM_182961.4 (MANE Select); coding-DNA position 15913, C replaced by A.
Protein change: p.Leu5305Met; replaces leucine 5305 with methionine.
Molecular consequence: missense variant.
Genome position (GRCh38, 1-based): chr6:152,323,482, G>T on the plus strand (C>A on the coding strand, the complement: SYNE1 is on the minus strand). VCF-style: chr6-152323482-G-T. GRCh37 (hg19) VCF-style: chr6-152644617-G-T.
Other names: c.15700C>A, p.Leu5234Met (NM_033071.5); short protein forms L5305M, L5234M.
Identifiers: ClinVar variation 1433212 (VCV001433212.6), dbSNP rs2153937753, ClinGen allele CA366119762.
Genomic context (GRCh38, chr6:152,323,482, plus strand): 5'-GAGCGAGACTCCAAACAAACAAACAAACAAAAGAATGAAAGTAGGTGCTTAATTACTTCA[G>T]GCACCGATCTTGCATGGCGGTGATTTCCTGCATGAGCGGAGGCTCTTCCCCAGGGGTTGG-3'
Protein context (NP_892006.3, residues 5295-5315): QEITAMQDRC[Leu5305Met]NMQEKVKTNG